The following continues an entry in ClinVar:

NM_007294.4(BRCA1):c.4132G>A (p.Val1378Ile)

Gene: BRCA1. ClinVar aggregate classification (germline): Benign. Benign (1).

Submissions 16 to 20 of 20:

BRCAlab, Lund University
Classification: Benign for Breast-ovarian cancer, familial, susceptibility to, 1. Last evaluated: 2020-03-02. Review status: no assertion criteria provided. Collection method: clinical testing. Allele origin: germline. Affected: yes. Not counted in ClinVar's aggregate classification.

Counsyl
Classification: Uncertain significance for Breast-ovarian cancer, familial, susceptibility to, 1. Last evaluated: 2016-01-22. Review status: no assertion criteria provided. Collection method: clinical testing. Allele origin: unknown. Not counted in ClinVar's aggregate classification.

Foulkes Cancer Genetics LDI, Lady Davis Institute for Medical Research
Classification: Uncertain significance for Breast and/or ovarian cancer. Last evaluated: 2014-06-25. Review status: no assertion criteria provided. Collection method: clinical testing. Allele origin: germline. Study: The Canadian Open Genetics Repository (COGR). Not counted in ClinVar's aggregate classification.

Breast Cancer Information Core (BIC) (BRCA1)
Classification: Uncertain significance for Breast-ovarian cancer, familial 1. Last evaluated: 1999-03-24. Review status: no assertion criteria provided. Collection method: clinical testing. Allele origin: germline. Affected: yes. Observed: 3 variant alleles. Not counted in ClinVar's aggregate classification.

Department of Pathology and Laboratory Medicine, Sinai Health System
Classification: Likely benign for Malignant tumor of breast. Review status: no assertion criteria provided. Collection method: clinical testing. Allele origin: unknown. Affected: yes. Study: The Canadian Open Genetics Repository (COGR). Not counted in ClinVar's aggregate classification.
Comment: The BRCA1 p.Val1378Ile variant was identified in 3 of 700 proband chromosomes (frequency: 0.004) from individuals or families with breast or ovarian cancer (Peixoto 2006, El Saghir 2015). The variant was also identified in dbSNP (ID: rs28897690) as "With Uncertain significance allele", ClinVar (classified as benign by Invitae; as likely benign by Ambry Genetics, GeneDx, COGR, Color Genomics and two clinical laboratories; as uncertain significance by BIC), Cosmic (1x in Central nervous system), LOVD 3.0 (8x ), UMD-LSDB (9x as unclassified variant), and in BIC Database (3x with unknown clinical significance). In UMD the variant was identified with a co-occurring pathogenic BRCA2 variants (c.2701delC, p.Ala902LeufsX2) or (c.5763delT, p.Phe1921LeufsX42), increasing the likelihood that the p.Val1378Ile variant does not have clinical significance. The variant was not identified in MutDB, ARUP Laboratories, or Zhejiang University databases. The variant was identified in control databases in 49 of 274850 chromosomes (1 homozygous) at a frequency of 0.0002 increasing the likelihood this could be a low frequency benign variant (Genome Aggregation Database Feb 27, 2017). The variant was observed in the following populations: Other in 1 of 6406 chromosomes (freq: 0.0002), Latino in 35 of 34190 chromosomes (freq: 0.001), European in 10 of 125746 chromosomes (freq: 0.00008), East Asian in 1 of 18824 chromosomes (freq: 0.00005), and South Asian in 2 of 30406 chromosomes (freq: 0.00007), while the variant was not observed in the African, Ashkenazi Jewish, or Finnish, populations. The p.Val1378 residue is not conserved in mammals and computational analyses (PolyPhen-2, SIFT, AlignGVGD, BLOSUM, MutationTaster) do not suggest a high likelihood of impact to the protein; however, this information is not predictive enough to rule out pathogenicity. The variant occurs outside of the splicing consensus sequence and in silico or computational prediction software programs (SpliceSiteFinder, MaxEntScan, NNSPLICE, GeneSplicer) do not predict a difference in splicing. In addition, this variant was classified by several functional and in silico studies where it was classified once as â€šÃ„Ãºlikely neutralâ€šÃ„Ã¹ (Abkevich 2004), twice as â€šÃ„Ãºneutralâ€šÃ„Ã¹ (Bouwman 2013, Santos 2014) and once as â€šÃ„Ãºunknownâ€šÃ„Ã¹ (Judkins 2005). In summary, based on the above information the clinical significance of this variant cannot be determined with certainty at this time although we would lean towards a more benign role for this variant. This variant is classified as likely benign.

Literature cited by the submitters: PubMed 31131967 (cited by 3 submitters); PubMed 23867111 (cited by 3 submitters); PubMed 16826315 (cited by Quest Diagnostics Nichols Institute San Juan Capistrano and Counsyl); PubMed 24607278 (cited by Quest Diagnostics Nichols Institute San Juan Capistrano and Women's Health and Genetics/Laboratory Corporation of America, LabCorp); PubMed 15235020 (cited by Quest Diagnostics Nichols Institute San Juan Capistrano and Women's Health and Genetics/Laboratory Corporation of America, LabCorp); PubMed 30675319 (cited by Quest Diagnostics Nichols Institute San Juan Capistrano and Ambry Genetics); PubMed 31409081 (cited by Quest Diagnostics Nichols Institute San Juan Capistrano and Women's Health and Genetics/Laboratory Corporation of America, LabCorp); PubMed 32438681 (cited by Quest Diagnostics Nichols Institute San Juan Capistrano and Women's Health and Genetics/Laboratory Corporation of America, LabCorp); PubMed 33471991 (cited by Quest Diagnostics Nichols Institute San Juan Capistrano and Women's Health and Genetics/Laboratory Corporation of America, LabCorp); PubMed 16267036 (cited by Women's Health and Genetics/Laboratory Corporation of America, LabCorp); PubMed 23982851 (cited by Women's Health and Genetics/Laboratory Corporation of America, LabCorp and Counsyl); PubMed 25777348 (cited by Women's Health and Genetics/Laboratory Corporation of America, LabCorp); PubMed 26689913 (cited by Women's Health and Genetics/Laboratory Corporation of America, LabCorp); PubMed 27062684 (cited by Women's Health and Genetics/Laboratory Corporation of America, LabCorp).